The following is an entry in ClinVar:

ClinVar aggregate classification (germline): Likely pathogenic. Review status: reviewed by expert panel (3 of 4 stars). 3 submissions from 3 submitters: Likely pathogenic (1). 2 of the submissions do not count toward it. Last evaluated 2026-08-20.

Conditions:
Leber congenital amaurosis 2 (LCA2). Also called: AMAUROSIS CONGENITA OF LEBER II; Autosomal Recessive RPE65-Related Retinal Degeneration. Identifiers: Orphanet 65, MedGen C1859844, MONDO:0008765, OMIM 204100. Disease mechanism: loss of function.
Retinitis pigmentosa 20 (RP20). Identifiers: Orphanet 791, MedGen C3151086, MONDO:0013425, OMIM 613794.
RPE65-related disorder. Also called: RPE65-related condition; RPE65-related disorders. Identifiers: MedGen CN239301.
RPE65-related recessive retinopathy. Also called: Recessive RPE65 retinopathy. Identifiers: MedGen CN305526, MONDO:0100368.

Submissions (3):

ClinGen Leber Congenital Amaurosis/early Onset Retinal Dystrophy Variant Curation Expert Panel, ClinGen
Classification: Likely pathogenic for RPE65-related recessive retinopathy. Last evaluated: 2026-08-20. Review status: reviewed by expert panel. Criteria: ClinGen LCAeoRD ACMG Specifications RPE65 V1.0.0. Collection method: curation. Allele origin: germline. Inheritance: Autosomal recessive inheritance.
Comment: NM_000329.3(RPE65):c.536C>T is a missense variant causing substitution of alanine by valine at position p.179. This variant is absent from gnomAD v4.1.1 (PM2_Supporting). This variant has been reported in at least 1 proband with early-onset severe retinal dystrophy who was compound heterozygous with the NM_000329.3(RPE65):c.700C>T (p.Arg234Ter) variant confirmed in trans, which was previously classified pathogenic by the ClinGen LCA / eoRD VCEP (1 total point, VCEP member-provided data, PM3). At least one proband harboring this variant exhibits a phenotype including symptomatic onset between birth and age 5 years (1 pt), genotyping by retinal dystrophy next generation sequencing panel that did not provide an alternative explanation for visual impairment (2 pts), depressed ERG responses from rods (0.5 pts) and cones (1 pt), nystagmus (1 pt), nyctalopia, decreased central visual acuity (1 pt), fundus atrophy (0.5 pts), optic nerve pallor (0.5 pts), pigmentary retinopathy with attenuated vessels (0.5 pts), RPE mottling (0.5 pts), decreased peripheral vision (1 pt), and significant positive response to Luxturna (8 pts), which together are specific for RPE65-related recessive retinopathy (16.5 total points, VCEP member-provided data, PP4_Moderate). The computational predictor REVEL gives the variant a score of 0.996, which is above the ClinGen LCA / eoRD VCEP PP3 threshold of >0.773 and predicts a damaging effect on RPE65 function (PP3_Moderate). In summary, this variant meets the criteria to be classified as likely pathogenic for RPE65-related recessive retinopathy based on the ACMG/AMP criteria applied, as specified by the ClinGen LCA / eoRD VCEP: PM2_supporting, PM3, PP3_Moderate, and PP4_Moderate. (VCEP specifications version 1.0.0)

Labcorp Genetics (formerly Invitae), Labcorp
Classification: Uncertain significance for Leber congenital amaurosis 2; Retinitis pigmentosa 20. Last evaluated: 2025-09-22. Review status: criteria provided, single submitter. Criteria: Invitae Variant Classification Sherloc (09022015). Collection method: clinical testing. Allele origin: germline. Not counted in ClinVar's aggregate classification.
Comment: This sequence change replaces alanine, which is neutral and non-polar, with valine, which is neutral and non-polar, at codon 179 of the RPE65 protein (p.Ala179Val). This variant is not present in population databases (gnomAD no frequency). This variant has not been reported in the literature in individuals affected with RPE65-related conditions. ClinVar contains an entry for this variant (Variation ID: 964193). Invitae Evidence Modeling of protein sequence and biophysical properties (such as structural, functional, and spatial information, amino acid conservation, physicochemical variation, residue mobility, and thermodynamic stability) has been performed for this missense variant. However, the output from this modeling did not meet the statistical confidence thresholds required to predict the impact of this variant on RPE65 protein function. In summary, the available evidence is currently insufficient to determine the role of this variant in disease. Therefore, it has been classified as a Variant of Uncertain Significance.

Blueprint Genetics
Classification: Likely pathogenic for RPE65-related disorders. Last evaluated: 2020-01-20. Review status: criteria provided, single submitter. Criteria: ACMG Guidelines, 2015. Collection method: clinical testing. Allele origin: germline. Affected: yes. Observed: 2 variant alleles. Not counted in ClinVar's aggregate classification.

NM_000329.3(RPE65):c.536C>T (p.Ala179Val)

Gene: RPE65 (retinoid isomerohydrolase RPE65; minus strand). Cytogenetic location: 1p31.3.
Variant type: single nucleotide variant.
Coding change: c.536C>T on transcript NM_000329.3 (MANE Select); coding-DNA position 536, C replaced by T.
Protein change: p.Ala179Val; replaces alanine 179 with valine.
Molecular consequence: missense variant.
Genome position (GRCh38, 1-based): chr1:68,440,960, G>A on the plus strand (C>T on the coding strand, the complement: RPE65 is on the minus strand). VCF-style: chr1-68440960-G-A. GRCh37 (hg19) VCF-style: chr1-68906643-G-A.
Other names: NM_000329.3(RPE65):c.536C>T; p.Ala179Val; short protein forms A179V.
Identifiers: ClinVar variation 964193 (VCV000964193.11), dbSNP rs1645898265, ClinGen allele CA340747151.